The following is an entry in ClinVar:

ClinVar aggregate classification (germline): Uncertain significance. Review status: criteria provided, multiple submitters, no conflicts (2 of 4 stars). 5 submissions from 5 submitters: Uncertain significance (5). Last evaluated 2025-10-19.

Conditions:
BAP1-related tumor predisposition syndrome (TPDS1). Also called: TUMOR PREDISPOSITION SYNDROME 1; BAP1 tumor predisposition syndrome; COMMON Syndrome; Tumor susceptibility linked to germline BAP1 mutations. Identifiers: Orphanet 289539, MedGen C3280492, MONDO:0013692, OMIM 614327.
Hereditary cancer-predisposing syndrome. Also called: Neoplastic Syndromes, Hereditary; Hereditary Cancer Syndrome; Hereditary neoplastic syndrome; Tumor predisposition. Identifiers: Orphanet 140162, MedGen C0027672, MeSH D009386, MONDO:0015356.

Allele frequency attached by ClinVar (database versions not stated): TOPMed below 0.00001; gnomAD 0.00001; gnomAD exomes 0.00001.
gnomAD v4.1: 16 of 1,614,012 alleles (0.00099%); highest among the groups gnomAD compares: Non-Finnish European, 0.0014%; no homozygotes.

Submissions (5):

Labcorp Genetics (formerly Invitae), Labcorp
Classification: Uncertain significance for BAP1-related tumor predisposition syndrome. Last evaluated: 2025-10-19. Review status: criteria provided, single submitter. Criteria: Invitae Variant Classification Sherloc (09022015). Collection method: clinical testing. Allele origin: germline.
Comment: This sequence change replaces proline, which is neutral and non-polar, with leucine, which is neutral and non-polar, at codon 147 of the BAP1 protein (p.Pro147Leu). This variant is not present in population databases (gnomAD no frequency). This variant has not been reported in the literature in individuals affected with BAP1-related conditions. ClinVar contains an entry for this variant (Variation ID: 1060245). An algorithm developed to predict the effect of missense changes on protein structure and function (PolyPhen-2) suggests that this variant is likely to be disruptive. In summary, the available evidence is currently insufficient to determine the role of this variant in disease. Therefore, it has been classified as a Variant of Uncertain Significance.

Color Diagnostics, LLC DBA Color Health
Classification: Uncertain significance for Hereditary cancer-predisposing syndrome. Last evaluated: 2025-04-28. Review status: criteria provided, single submitter. Criteria: ACMG Guidelines, 2015. Collection method: clinical testing. Allele origin: germline.
Comment: This missense variant replaces proline with leucine at codon 147 of the BAP1 protein. Computational prediction suggests that this variant may not impact protein structure and function. To our knowledge, functional studies have not been reported for this variant. This variant has not been reported in individuals affected with BAP1-related disorders in the literature. This variant has not been identified in the general population by the Genome Aggregation Database (gnomAD). The available evidence is insufficient to determine the role of this variant in disease conclusively. Therefore, this variant is classified as a Variant of Uncertain Significance.

GeneDx
Classification: Uncertain significance. Last evaluated: 2025-01-02. Review status: criteria provided, single submitter. Criteria: GeneDx Variant Classification Process June 2021. Collection method: clinical testing. Allele origin: germline. Affected: yes.
Comment: Not observed at significant frequency in large population cohorts (gnomAD); In silico analysis supports that this missense variant has a deleterious effect on protein structure/function; Has not been previously published as pathogenic or benign to our knowledge

Ambry Genetics
Classification: Uncertain significance for Hereditary cancer-predisposing syndrome. Last evaluated: 2024-05-30. Review status: criteria provided, single submitter. Criteria: Ambry Variant Classification Scheme 2023. Collection method: clinical testing. Allele origin: germline.
Comment: The p.P147L variant (also known as c.440C>T), located in coding exon 7 of the BAP1 gene, results from a C to T substitution at nucleotide position 440. The proline at codon 147 is replaced by leucine, an amino acid with similar properties. This amino acid position is highly conserved in available vertebrate species. In addition, the in silico prediction for this alteration is inconclusive. Based on the available evidence, the clinical significance of this variant remains unclear.

Baylor Genetics
Classification: Uncertain significance for BAP1-related tumor predisposition syndrome. Last evaluated: 2024-02-14. Review status: criteria provided, single submitter. Criteria: ACMG Guidelines, 2015. Collection method: clinical testing. Allele origin: unknown.

NM_004656.4(BAP1):c.440C>T (p.Pro147Leu)

Gene: BAP1 (BRCA1 associated deubiquitinase 1; minus strand). Cytogenetic location: 3p21.1.
Variant type: single nucleotide variant.
Coding change: c.440C>T on transcript NM_004656.4 (MANE Select); coding-DNA position 440, C replaced by T.
Protein change: p.Pro147Leu; replaces proline 147 with leucine.
Molecular consequence: missense variant.
Genome position (GRCh38, 1-based): chr3:52,407,314, G>A on the plus strand (C>T on the coding strand, the complement: BAP1 is on the minus strand). VCF-style: chr3-52407314-G-A. GRCh37 (hg19) VCF-style: chr3-52441330-G-A.
Other names: c.440C>T (NM_004656.3); short protein forms P147L.
Identifiers: ClinVar variation 1060245 (VCV001060245.10), dbSNP rs775836183, ClinGen allele CA74743768.
Genomic context (GRCh38, chr3:52,407,314, plus strand): 5'-GCCTCCATGGTCCGCACTGCACTAAGGCCATTCTGCTTCTCAGGGAGGTGGCGTGGCTCG[G>A]GCCTGGGGAAAAACAGAGTCAGGGCCCAAAAAATGATACTCCCCCTACTCCCACCCCACA-3'
Protein context (NP_004647.1, residues 137-157): LAKAHNSHAR[Pro147Leu]EPRHLPEKQN